The following is an entry in ClinVar:

ClinVar aggregate classification (germline): Likely pathogenic (1 of 4 stars; one submission).

Conditions:
Primary ciliary dyskinesia. Also called: Ciliary dyskinesia. Identifiers: Orphanet 244, MedGen C0008780, MONDO:0016575, HP:0012265.

Submission:

Labcorp Genetics (formerly Invitae), Labcorp
Classification: Likely pathogenic for Primary ciliary dyskinesia. Last evaluated: 2022-11-30. Review status: criteria provided, single submitter. Criteria: Invitae Variant Classification Sherloc (09022015). Collection method: clinical testing. Allele origin: germline.
Comment: In summary, the currently available evidence indicates that the variant is pathogenic, but additional data are needed to prove that conclusively. Therefore, this variant has been classified as Likely Pathogenic. Algorithms developed to predict the effect of sequence changes on RNA splicing suggest that this variant may disrupt the consensus splice site. This variant has not been reported in the literature in individuals affected with DNAH11-related conditions. This variant is not present in population databases (gnomAD no frequency). This sequence change affects a donor splice site in intron 3 of the DNAH11 gene. It is expected to disrupt RNA splicing. Variants that disrupt the donor or acceptor splice site typically lead to a loss of protein function (PMID: 16199547), and loss-of-function variants in DNAH11 are known to be pathogenic (PMID: 18022865, 20513915, 22184204).

Literature cited by the submitters: PubMed 16199547; PubMed 18022865; PubMed 20513915; PubMed 22184204.

NM_001277115.2(DNAH11):c.692+2T>C

Gene: DNAH11 (dynein axonemal heavy chain 11; plus strand). Cytogenetic location: 7p15.3.
Variant type: single nucleotide variant.
Coding change: c.692+2T>C on transcript NM_001277115.2 (MANE Select); the canonical splice donor site of the intron after coding-DNA position 692, T replaced by C.
Molecular consequence: splice donor variant.
Genome position (GRCh38, 1-based): chr7:21,559,000, T>C. VCF-style: chr7-21559000-T-C. GRCh37 (hg19) VCF-style: chr7-21598618-T-C.
Identifiers: ClinVar variation 2817627 (VCV002817627.3), dbSNP rs2534461499, ClinGen allele CA366932681.